The following is an entry in ClinVar:

NM_024996.7(GFM1):c.248A>T (p.Asp83Val)

Gene: GFM1 (G elongation factor mitochondrial 1; plus strand). Cytogenetic location: 3q25.32.
Variant type: single nucleotide variant.
Coding change: c.248A>T on transcript NM_024996.7 (MANE Select); coding-DNA position 248, A replaced by T.
Protein change: p.Asp83Val; replaces aspartic acid 83 with valine.
Molecular consequence: missense variant. On other transcripts: non-coding transcript variant (3), intron variant (4).
Genome position (GRCh38, 1-based): chr3:158,646,178, A>T. VCF-style: chr3-158646178-A-T. GRCh37 (hg19) VCF-style: chr3-158363967-A-T.
Other names: c.248A>T, p.Asp83Val (NM_001308164.2, NM_001308166.2, NM_001374355.1 and 1 more transcripts); c.23A>T, p.Asp8Val (NM_001374357.1); c.5+397A>T (NM_001374359.1, NM_001374360.1, NM_001374361.1); c.234+397A>T (NM_001374358.1); short protein forms D83V, D8V.
Identifiers: ClinVar variation 812090 (VCV000812090.6), dbSNP rs1576721522, ClinGen allele CA355175447.
Genomic context (GRCh38, chr3:158,646,178, plus strand): 5'-TGGAATGCAGGGACAGAGAAAGTCTGAATTGCTGTGCTTGTGTTTAGGTGAAAGGTAAAG[A>T]TGGAGTTGGTGCTGTCATGGATTCCATGGAACTAGAGAGACAAAGAGGAATCACTATTCA-3'
Protein context (NP_079272.4, residues 73-93): IAKMHEVKGK[Asp83Val]GVGAVMDSME

ClinVar aggregate classification (germline): Conflicting classifications of pathogenicity. Review status: criteria provided, conflicting classifications (1 of 4 stars). 3 submissions from 3 submitters: Pathogenic (1); Likely pathogenic (1); Uncertain significance (1). Last evaluated 2025-07-25.

Conditions:
Hepatoencephalopathy due to combined oxidative phosphorylation defect type 1. Also called: HEPATOENCEPHALOPATHY, EARLY FATAL PROGRESSIVE. Identifiers: Orphanet 137681, MedGen C1836797, MONDO:0012191, OMIM 609060.

Allele frequency attached by ClinVar (database versions not stated): gnomAD exomes below 0.00001.

Submissions (3):

Women's Health and Genetics/Laboratory Corporation of America, LabCorp
Classification: Uncertain significance. Last evaluated: 2025-07-25. Review status: criteria provided, single submitter. Criteria: LabCorp Variant Classification Summary - May 2015. Collection method: clinical testing. Allele origin: germline.
Comment: Variant summary: GFM1 c.248A>T (p.Asp83Val) results in a non-conservative amino acid change located in the Translational (tr)-type GTP-binding domain (IPR000795) of the encoded protein sequence. Algorithms developed to predict the effect of missense changes on protein structure and function are either unavailable or do not agree on the potential impact of this missense change. The variant was absent in 251474 control chromosomes. c.248A>T has been observed in compound heterozygous individuals affected with Combined Oxidative Phosphorylation Deficiency 1 (e.g. Barcia_2020, Internal data). These data indicate that the variant may be associated with disease. To our knowledge, no experimental evidence demonstrating an impact on protein function has been reported. The following publication has been ascertained in the context of this evaluation (PMID: 31680380). ClinVar contains an entry for this variant (Variation ID: 812090). Based on the evidence outlined above, the variant was classified as VUS-possibly pathogenic.

Labcorp Genetics (formerly Invitae), Labcorp
Classification: Likely pathogenic. Last evaluated: 2023-09-08. Review status: criteria provided, single submitter. Criteria: Invitae Variant Classification Sherloc (09022015). Collection method: clinical testing. Allele origin: germline.
Comment: This variant is not present in population databases (gnomAD no frequency). In summary, the currently available evidence indicates that the variant is pathogenic, but additional data are needed to prove that conclusively. Therefore, this variant has been classified as Likely Pathogenic. Advanced modeling of protein sequence and biophysical properties (such as structural, functional, and spatial information, amino acid conservation, physicochemical variation, residue mobility, and thermodynamic stability) performed at Invitae indicates that this missense variant is expected to disrupt GFM1 protein function. ClinVar contains an entry for this variant (Variation ID: 812090). This missense change has been observed in individual(s) with autosomal recessive combined oxidative phosphorylation deficiency (PMID: 31680380; Invitae). In at least one individual the data is consistent with being in trans (on the opposite chromosome) from a pathogenic variant. This sequence change replaces aspartic acid, which is acidic and polar, with valine, which is neutral and non-polar, at codon 83 of the GFM1 protein (p.Asp83Val).

Laboratoire de Génétique Moléculaire Institut de Recherche Necker Enfants Malades, CHU Paris - Hôpital Necker-Enfants Malades
Classification: Pathogenic for Combined oxidative phosphorylation deficiency 1. Review status: criteria provided, single submitter. Criteria: ACMG Guidelines, 2015. Collection method: clinical testing. Allele origin: inherited. Affected: yes. Observed: 1 variant allele.

Literature cited by the submitters: PubMed 31680380 (cited by Women's Health and Genetics/Laboratory Corporation of America, LabCorp and Labcorp Genetics (formerly Invitae), Labcorp).